The following is an entry in ClinVar:

NM_000288.4(PEX7):c.704T>C (p.Val235Ala)

Gene: PEX7 (peroxisomal biogenesis factor 7; plus strand). Cytogenetic location: 6q23.3.
Variant type: single nucleotide variant.
Coding change: c.704T>C on transcript NM_000288.4 (MANE Select); coding-DNA position 704, T replaced by C.
Protein change: p.Val235Ala; replaces valine 235 with alanine.
Molecular consequence: missense variant.
Genome position (GRCh38, 1-based): chr6:136,869,960, T>C. VCF-style: chr6-136869960-T-C. GRCh37 (hg19) VCF-style: chr6-137191098-T-C.
Other names: c.590T>C, p.Val197Ala (NM_001410945.1); short protein forms V197A, V235A.
Identifiers: ClinVar variation 2165707 (VCV002165707.3), dbSNP rs1436415665, ClinGen allele CA365764074.

ClinVar aggregate classification (germline): Uncertain significance (1 of 4 stars; one submission).

Conditions:
Peroxisome biogenesis disorder 9B. Also called: PEX7-Related Refsum Disease; Refsum disease, adult, 2; PEROXISOME BIOGENESIS DISORDER, PEX7-RELATED, ATYPICAL. Identifiers: Orphanet 773, MedGen C2749346, MONDO:0013945, OMIM 614879.

Allele frequency attached by ClinVar (database versions not stated): gnomAD exomes below 0.00001.
gnomAD v4.1: 1 of 1,614,070 alleles (0.000062%); highest among the groups gnomAD compares: Middle Eastern, 0.016%; no homozygotes.

Submission:

Labcorp Genetics (formerly Invitae), Labcorp
Classification: Uncertain significance for Peroxisome biogenesis disorder 9B. Last evaluated: 2024-01-29. Review status: criteria provided, single submitter. Criteria: Invitae Variant Classification Sherloc (09022015). Collection method: clinical testing. Allele origin: germline.
Comment: This sequence change replaces valine, which is neutral and non-polar, with alanine, which is neutral and non-polar, at codon 235 of the PEX7 protein (p.Val235Ala). This variant is present in population databases (no rsID available, gnomAD no frequency). This variant has not been reported in the literature in individuals affected with PEX7-related conditions. ClinVar contains an entry for this variant (Variation ID: 2165707). An algorithm developed to predict the effect of missense changes on protein structure and function (PolyPhen-2) suggests that this variant is likely to be tolerated. In summary, the available evidence is currently insufficient to determine the role of this variant in disease. Therefore, it has been classified as a Variant of Uncertain Significance.